The following is an entry in ClinVar:

NM_000535.7(PMS2):c.1017_1018insG (p.Lys340fs)

Gene: PMS2 (PMS1 homolog 2, mismatch repair system component; minus strand). Cytogenetic location: 7p22.1.
Variant type: Insertion.
Coding change: c.1017_1018insG on transcript NM_000535.7 (MANE Select); coding-DNA positions 1017 to 1018, G inserted.
Protein change: p.Lys340fs; shifts the reading frame from lysine 340.
Molecular consequence: frameshift variant. On other transcripts: non-coding transcript variant (1), intron variant (2).
Genome position: GRCh38 VCF-style: chr7-5989926-T-TC. GRCh37 (hg19) VCF-style: chr7-6029557-T-TC.
Other names: c.612_613insG, p.Lys205Glufs (NM_001018040.1, NM_001406887.1, NM_001406888.1 and 13 more transcripts); c.612_613insG, p.Lys205fs (NM_001322003.2, NM_001322004.2, NM_001322005.2 and 1 more transcripts); c.699_700insG, p.Lys234fs (NM_001322007.2, NM_001322008.2); c.84_85insG, p.Lys29fs (NM_001322011.2, NM_001322012.2); c.444_445insG, p.Lys149fs (NM_001322013.2); c.1017_1018insG, p.Lys340fs (NM_001322014.2); c.708_709insG, p.Lys237fs (NM_001322015.2); c.1203_1204insG, p.Lys402Glufs (NM_001406866.1); and 15 more; short protein forms K237fs, K205fs, K340fs, K149fs, K234fs, K29fs.
Identifiers: ClinVar variation 1745933 (VCV001745933.9), dbSNP rs2535938248, ClinGen allele CA2580076760.
Genomic context (GRCh38, chr7:5,989,926, plus strand): 5'-TCAAAGAGGTCTTTAAAACTGCCAACAAAAGCTTTTCCTCTTGTAGCAAAATTTGCCTTT[T>TC]ATCTGGAGTAACATTGATATCAACGCATTCTAAGGCAAAAAAGAAAACATATTTATTATG-3'

ClinVar aggregate classification (germline): Pathogenic/Likely pathogenic. Review status: criteria provided, multiple submitters, no conflicts (2 of 4 stars). 4 submissions from 4 submitters: Pathogenic (3); Likely pathogenic (1). Last evaluated 2024-07-31.

Conditions:
Hereditary nonpolyposis colorectal neoplasms. Identifiers: MedGen C0009405, MeSH D003123.
Hereditary cancer-predisposing syndrome. Also called: Hereditary Cancer Syndrome; Neoplastic Syndromes, Hereditary; Tumor predisposition; Hereditary neoplastic syndrome. Identifiers: Orphanet 140162, MedGen C0027672, MeSH D009386, MONDO:0015356.
Lynch syndrome 4 (LYNCH4). Also called: Colorectal cancer, hereditary nonpolyposis, type 4; Hereditary non-polyposis colorectal cancer, type 4. Identifiers: Orphanet 144, MedGen C1838333, MONDO:0013699, OMIM 614337. Disease mechanism: loss of function.

Submissions (4):

Labcorp Genetics (formerly Invitae), Labcorp
Classification: Pathogenic for Hereditary nonpolyposis colorectal neoplasms. Last evaluated: 2024-07-31. Review status: criteria provided, single submitter. Criteria: Invitae Variant Classification Sherloc (09022015). Collection method: clinical testing. Allele origin: germline.
Comment: This sequence change creates a premature translational stop signal (p.Lys340Glufs*25) in the PMS2 gene. It is expected to result in an absent or disrupted protein product. Loss-of-function variants in PMS2 are known to be pathogenic (PMID: 21376568, 24362816). This variant is not present in population databases (gnomAD no frequency). This variant has not been reported in the literature in individuals affected with PMS2-related conditions. ClinVar contains an entry for this variant (Variation ID: 1745933). For these reasons, this variant has been classified as Pathogenic.

Myriad Genetics, Inc.
Classification: Pathogenic for Lynch syndrome 4. Last evaluated: 2023-10-09. Review status: criteria provided, single submitter. Criteria: Myriad Autosomal Dominant, Autosomal Recessive and X-Linked Classification Criteria (2023). Collection method: clinical testing. Allele origin: unknown.
Comment: This variant is considered pathogenic. This variant creates a frameshift predicted to result in premature protein truncation.

Quest Diagnostics Nichols Institute San Juan Capistrano
Classification: Likely pathogenic. Last evaluated: 2023-09-13. Review status: criteria provided, single submitter. Criteria: Quest Diagnostics criteria. Collection method: clinical testing. Allele origin: unknown.
Comment: The PMS2 c.1017_1018insG (p.Lys340Glufs*25) variant alters the translational reading frame of the PMS2 mRNA and is predicted to cause the premature termination of PMS2 protein synthesis. This variant has not been reported in individuals with PMS2-related conditions in the published literature. This variant has not been reported in large, multi-ethnic general populations (Genome Aggregation Database). Based on the available information, this variant is classified as likely pathogenic.

Ambry Genetics
Classification: Pathogenic for Hereditary cancer-predisposing syndrome. Last evaluated: 2022-08-04. Review status: criteria provided, single submitter. Criteria: Ambry Variant Classification Scheme 2023. Collection method: clinical testing. Allele origin: germline.
Comment: The c.1017_1018insG pathogenic mutation, located in coding exon 10 of the PMS2 gene, results from an insertion of one nucleotide at position 1017, causing a translational frameshift with a predicted alternate stop codon (p.K340Efs*25). This alteration is expected to result in loss of function by premature protein truncation or nonsense-mediated mRNA decay. As such, this alteration is interpreted as a disease-causing mutation.

Literature cited by the submitters: PubMed 21376568 (cited by Labcorp Genetics (formerly Invitae), Labcorp); PubMed 24362816 (cited by Labcorp Genetics (formerly Invitae), Labcorp).